The following is an entry in ClinVar:

ClinVar aggregate classification (germline): Uncertain significance. Review status: criteria provided, multiple submitters, no conflicts (2 of 4 stars). 2 submissions from 2 submitters: Uncertain significance (2). Last evaluated 2025-08-15.

Conditions:
GLI2-related disorder. Also called: GLI2-related disorders; GLI2-related condition.
Postaxial polydactyly-anterior pituitary anomalies-facial dysmorphism syndrome. Also called: Culler-Jones syndrome. Identifiers: Orphanet 420584, MedGen C4014479, MONDO:0014369, OMIM 615849.
Holoprosencephaly 9 (HPE9). Also called: HOLOPROSENCEPHALY WITH MICROPHTHALMIA AND FIRST BRANCHIAL ARCH ANOMALIES; PITUITARY ANOMALIES WITH HOLOPROSENCEPHALY-LIKE FEATURES. Identifiers: Orphanet 2162, MedGen C1835819, MONDO:0012563, OMIM 610829.

Allele frequency attached by ClinVar (database versions not stated): gnomAD 0.00001.
gnomAD v4.1: 2 of 1,613,042 alleles (0.00012%); highest among the groups gnomAD compares: Admixed American, 0.0033%; no homozygotes.

Submissions (2):

PreventionGenetics, part of Exact Sciences
Classification: Uncertain significance for GLI2-related condition. Last evaluated: 2025-08-15. Review status: criteria provided, single submitter. Criteria: ACMG Guidelines, 2015. Collection method: clinical testing. Allele origin: germline.
Comment: The GLI2 c.3316G>C variant is predicted to result in the amino acid substitution p.Gly1106Arg. To our knowledge, this variant has not been reported in the literature or in a large population database (gnomAD), indicating this variant is rare. At this time, the clinical significance of this variant is uncertain due to the absence of conclusive functional and genetic evidence.

Labcorp Genetics (formerly Invitae), Labcorp
Classification: Uncertain significance for Postaxial polydactyly-anterior pituitary anomalies-facial dysmorphism syndrome; Holoprosencephaly 9. Last evaluated: 2025-05-02. Review status: criteria provided, single submitter. Criteria: Invitae Variant Classification Sherloc (09022015). Collection method: clinical testing. Allele origin: germline.
Comment: This sequence change replaces glycine, which is neutral and non-polar, with arginine, which is basic and polar, at codon 1106 of the GLI2 protein (p.Gly1106Arg). This variant is not present in population databases (gnomAD no frequency). This variant has not been reported in the literature in individuals affected with GLI2-related conditions. ClinVar contains an entry for this variant (Variation ID: 2931007). An algorithm developed to predict the effect of missense changes on protein structure and function (PolyPhen-2) suggests that this variant is likely to be disruptive. In summary, the available evidence is currently insufficient to determine the role of this variant in disease. Therefore, it has been classified as a Variant of Uncertain Significance.

NM_001374353.1(GLI2):c.3265G>C (p.Gly1089Arg)

Gene: GLI2 (GLI family zinc finger 2; plus strand). Cytogenetic location: 2q14.2.
Variant type: single nucleotide variant.
Coding change: c.3265G>C on transcript NM_001374353.1 (MANE Select); coding-DNA position 3265, G replaced by C.
Protein change: p.Gly1089Arg; replaces glycine 1089 with arginine.
Molecular consequence: missense variant.
Genome position (GRCh38, 1-based): chr2:120,989,230, G>C. VCF-style: chr2-120989230-G-C. GRCh37 (hg19) VCF-style: chr2-121746806-G-C.
Other names: c.3316G>C (NM_005270.4); c.3316G>C, p.Gly1106Arg (NM_001371271.1, NM_005270.5); c.2890G>C, p.Gly964Arg (NM_001374354.1); short protein forms G964R, G1089R, G1106R.
Identifiers: ClinVar variation 2931007 (VCV002931007.4), dbSNP rs1264996237, ClinGen allele CA348173385.